The following is an entry in ClinVar:

NM_007327.4(GRIN1):c.1888C>T (p.Arg630Cys)

Gene: GRIN1 (glutamate ionotropic receptor NMDA type subunit 1; plus strand). Cytogenetic location: 9q34.3.
Variant type: single nucleotide variant.
Coding change: c.1888C>T on transcript NM_007327.4 (MANE Select); coding-DNA position 1888, C replaced by T.
Protein change: p.Arg630Cys; replaces arginine 630 with cysteine.
Molecular consequence: missense variant.
Genome position (GRCh38, 1-based): chr9:137,162,614, C>T. VCF-style: chr9-137162614-C-T. GRCh37 (hg19) VCF-style: chr9-140057066-C-T.
Other names: c.1888C>T, p.Arg630Cys (NM_000832.7, NM_021569.4); c.1951C>T, p.Arg651Cys (NM_001185090.2, NM_001185091.2); short protein forms R630C, R651C.
Identifiers: ClinVar variation 1707073 (VCV001707073.4), dbSNP rs2538640396, ClinGen allele CA375720304.

ClinVar aggregate classification (germline): Uncertain significance (1 of 4 stars; one submission).

Submission:

GeneDx
Classification: Uncertain significance. Last evaluated: 2025-09-26. Review status: criteria provided, single submitter. Criteria: GeneDx Variant Classification Process June 2021. Collection method: clinical testing. Allele origin: germline. Affected: yes.
Comment: Not observed at significant frequency in large population cohorts (gnomAD); In silico analysis supports that this missense variant has a deleterious effect on protein structure/function; Has not been previously published as pathogenic or benign to our knowledge